The following is an entry in ClinVar:

NM_012431.3(SEMA3E):c.371A>G (p.His124Arg)

Gene: SEMA3E (semaphorin 3E; minus strand). Cytogenetic location: 7q21.11.
Variant type: single nucleotide variant.
Coding change: c.371A>G on transcript NM_012431.3 (MANE Select); coding-DNA position 371, A replaced by G.
Protein change: p.His124Arg; replaces histidine 124 with arginine.
Molecular consequence: missense variant.
Genome position (GRCh38, 1-based): chr7:83,466,567, T>C on the plus strand (A>G on the coding strand, the complement: SEMA3E is on the minus strand). VCF-style: chr7-83466567-T-C. GRCh37 (hg19) VCF-style: chr7-83095883-T-C.
Other names: c.191A>G, p.His64Arg (NM_001178129.2); short protein forms H124R, H64R.
Identifiers: ClinVar variation 854544 (VCV000854544.9), dbSNP rs1487949587, ClinGen allele CA367935738.
Genomic context (GRCh38, chr7:83,466,567, plus strand): 5'-AAGGCACAAACTGGATCAAAAGCTCCAGTACCACAGGTCAGAAGGTGTGTCCTGTTATAG[T>C]GATGCAAAACCCGAACATAATTTGCACATTCACCCTAAAGCAGGAAAAAAAGGGAAGGAA-3'
Protein context (NP_036563.1, residues 114-134): ECANYVRVLH[His124Arg]YNRTHLLTCG

ClinVar aggregate classification (germline): Uncertain significance (1 of 4 stars; one submission).

Conditions:
CHARGE syndrome (CHARGE). Also called: CHARGE ASSOCIATION--COLOBOMA, HEART ANOMALY, CHOANAL ATRESIA, RETARDATION, GENITAL AND EAR ANOMALIES; Coloboma, heart anomaly, choanal atresia, retardation, genital and ear anomalies; CHARGE association; Hall-Hittner syndrome; Hittner Hirsch Kreh syndrome. Identifiers: Orphanet 138, MedGen C0265354, MONDO:0008965.

Allele frequency attached by ClinVar (database versions not stated): gnomAD exomes below 0.00001; TOPMed below 0.00001.
gnomAD v4.1: 3 of 1,613,910 alleles (0.00019%); highest among the groups gnomAD compares: Non-Finnish European, 0.00025%; no homozygotes.

Submission:

Labcorp Genetics (formerly Invitae), Labcorp
Classification: Uncertain significance for CHARGE syndrome. Last evaluated: 2020-02-26. Review status: criteria provided, single submitter. Criteria: Invitae Variant Classification Sherloc (09022015). Collection method: clinical testing. Allele origin: germline.
Comment: This sequence change replaces histidine with arginine at codon 124 of the SEMA3E protein (p.His124Arg). The histidine residue is highly conserved and there is a small physicochemical difference between histidine and arginine. This variant is not present in population databases (ExAC no frequency). This variant has not been reported in the literature in individuals with SEMA3E-related conditions. Algorithms developed to predict the effect of missense changes on protein structure and function (SIFT, PolyPhen-2, Align-GVGD) all suggest that this variant is likely to be tolerated, but these predictions have not been confirmed by published functional studies and their clinical significance is uncertain. In summary, the available evidence is currently insufficient to determine the role of this variant in disease. Therefore, it has been classified as a Variant of Uncertain Significance.